The following is an entry in ClinVar:

ClinVar aggregate classification (germline): Uncertain significance. Review status: criteria provided, multiple submitters, no conflicts (2 of 4 stars). 2 submissions from 2 submitters: Uncertain significance (2). Last evaluated 2025-06-19.

Allele frequency attached by ClinVar (database versions not stated): gnomAD 0.00004; TOPMed 0.00006; 1000 Genomes Project 30x 0.00016; 1000 Genomes Project 0.00020.
gnomAD v4.1: 91 of 1,611,132 alleles (0.0056%); highest among the groups gnomAD compares: South Asian, 0.0088%; no homozygotes.

Submissions (2):

Ambry Genetics
Classification: Uncertain significance. Last evaluated: 2025-06-19. Review status: criteria provided, single submitter. Criteria: Ambry Variant Classification Scheme 2023. Collection method: clinical testing. Allele origin: germline.

Mayo Clinic Laboratories, Mayo Clinic
Classification: Uncertain significance. Last evaluated: 2021-11-22. Review status: criteria provided, single submitter. Criteria: ACMG Guidelines, 2015. Collection method: clinical testing. Allele origin: germline. Observed: 1 variant allele.
Comment: BP4

NM_002160.4(TNC):c.1848C>A (p.Ser616Arg)

Gene: TNC (tenascin C; minus strand). Cytogenetic location: 9q33.1.
Variant type: single nucleotide variant.
Coding change: c.1848C>A on transcript NM_002160.4 (MANE Select); coding-DNA position 1848, C replaced by A.
Protein change: p.Ser616Arg; replaces serine 616 with arginine.
Molecular consequence: missense variant.
Genome position (GRCh38, 1-based): chr9:115,085,883, G>T on the plus strand (C>A on the coding strand, the complement: TNC is on the minus strand). VCF-style: chr9-115085883-G-T. GRCh37 (hg19) VCF-style: chr9-117848162-G-T.
Other names: p.Ser616Arg; c.1848C>A, p.Ser616Arg (NM_001410991.1); short protein forms S616R.
Identifiers: ClinVar variation 2555992 (VCV002555992.4), dbSNP rs563361695, ClinGen allele CA5208712.